The following is an entry in ClinVar:

ClinVar aggregate classification (germline): Likely benign. Review status: criteria provided, single submitter (1 of 4 stars). 2 submissions from 2 submitters: Likely benign (1). 1 of the submissions does not count toward it. Last evaluated 2024-08-07.

Conditions:
Diamond-Blackfan anemia 10 (DBA10). Also called: RPS26-Related Diamond-Blackfan Anemia. Identifiers: Orphanet 124, MedGen C2750080, MONDO:0013217, OMIM 613309.
RPS26-related disorder. Also called: RPS26-related condition.

Allele frequency attached by ClinVar (database versions not stated): gnomAD exomes 0.00001; ExAC 0.00002; gnomAD 0.00002; TOPMed 0.00002.
gnomAD v4.1: 20 of 1,598,508 alleles (0.0013%); highest among the groups gnomAD compares: Non-Finnish European, 0.0017%; no homozygotes.

Submissions (2):

Labcorp Genetics (formerly Invitae), Labcorp
Classification: Likely benign for Diamond-Blackfan anemia 10. Last evaluated: 2024-08-07. Review status: criteria provided, single submitter. Criteria: Invitae Variant Classification Sherloc (09022015). Collection method: clinical testing. Allele origin: germline.

PreventionGenetics, part of Exact Sciences
Classification: Likely benign for RPS26-related condition. Last evaluated: 2020-02-24. Review status: no assertion criteria provided. Collection method: clinical testing. Allele origin: germline. Not counted in ClinVar's aggregate classification.
Comment: This variant is classified as likely benign based on ACMG/AMP sequence variant interpretation guidelines (Richards et al. 2015 PMID: 25741868, with internal and published modifications).

NM_001029.5(RPS26):c.168G>T (p.Ala56=)

Gene: RPS26 (ribosomal protein S26; plus strand). Cytogenetic location: 12q13.2.
Variant type: single nucleotide variant.
Coding change: c.168G>T on transcript NM_001029.5 (MANE Select); coding-DNA position 168, G replaced by T.
Protein change: p.Ala56=; no amino-acid change (alanine 56 retained).
Molecular consequence: synonymous variant.
Genome position (GRCh38, 1-based): chr12:56,042,589, G>T. VCF-style: chr12-56042589-G-T. GRCh37 (hg19) VCF-style: chr12-56436373-G-T.
Identifiers: ClinVar variation 3051913 (VCV003051913.4), dbSNP rs745910777, ClinGen allele CA6621712.